The following is an entry in ClinVar:

NM_007194.4(CHEK2):c.480AGA[1] (p.Glu161del)

Gene: CHEK2 (checkpoint kinase 2; minus strand). Cytogenetic location: 22q12.1.
Variant type: Microsatellite.
Coding change: c.480AGA[1] on transcript NM_007194.4 (MANE Select); one copy of the 3-base unit AGA starting at c.480; the reference has two copies in a row; one copy, 3 bases deleted; also written c.483_485del.
Protein change: p.Glu161del; deletes glutamic acid 161.
Molecular consequence: inframe deletion. On other transcripts: 5 prime UTR variant (2), intron variant (1).
Genome position (GRCh38, 1-based): chr22:28,725,084-28,725,086, TCT deleted on the plus strand (AGA on the coding strand, the reverse complement: CHEK2 is on the minus strand); deleting any 3 consecutive bases within chr22:28,725,084-28,725,089 gives the same sequence; the position shown is the placement nearest the transcript's 3' end. VCF-style (leftmost placement, unchanged base first): chr22-28725083-ATCT-A. GRCh37 (hg19) VCF-style: chr22-29121071-ATCT-A.
Other names: c.483_485delAGA (NM_007194.4); c.612_614delAGA (NM_001005735.2); c.483_485del (NM_007194.4); c.609AGA[1], p.Glu204del (NM_001005735.3, NM_001438294.1); c.-298AGA[1] (NM_001257387.3); c.-184AGA[1] (NM_001437942.1); c.573AGA[1], p.Glu192del (NM_001438293.1, NM_001438295.1); c.480AGA[1], p.Glu161del (NM_145862.3); and 1 more; short protein forms E161del, E204del, E192del.
Identifiers: ClinVar variation 141783 (VCV000141783.66), dbSNP rs587782008, ClinGen allele CA294195.
Genomic context (GRCh38, chr22:28,725,083, plus strand): 5'-AGGACGGCGTTTTCCTTTCCCTACAAGCTCTGTATTTACAAAGGTTCCATTGCCACTGTG[ATCT>A]TCTATGTATGCAATGTAAGAGTTTTTAGGACCCACTTCCTAAAATAGAGAACATTTTGTT-3'

ClinVar aggregate classification (germline): Conflicting classifications of pathogenicity. Review status: criteria provided, conflicting classifications (1 of 4 stars). 25 submissions from 25 submitters: Pathogenic (2); Likely pathogenic (19); Uncertain significance (2). 2 of the submissions do not count toward it. Last evaluated 2026-06-22.

Conditions:
CHEK2-related disorder.
Hereditary cancer-predisposing syndrome. Also called: Tumor predisposition; Hereditary neoplastic syndrome; Hereditary Cancer Syndrome; Neoplastic Syndromes, Hereditary. Identifiers: Orphanet 140162, MedGen C0027672, MeSH D009386, MONDO:0015356.
Hereditary breast ovarian cancer syndrome. Also called: Hereditary breast and/or ovarian cancer syndrome; Breast and ovarian cancer; Hereditary breast and ovarian cancer syndrome; Hereditary breast and ovarian cancer; Hereditary breast and ovarian cancer syndrome (HBOC); BRCA1- and BRCA2-Associated Hereditary Breast and Ovarian Cancer. Identifiers: Orphanet 145, MedGen C0677776, MeSH D061325, MONDO:0003582. Disease mechanism: loss of function.
CHEK2-related cancer predisposition (TPDS4). Also called: TUMOR PREDISPOSITION SYNDROME 4; CANCER PREDISPOSITION SYNDROME, CHEK2-RELATED; CHEK2-related cancer susceptibility. Identifiers: Orphanet 524, MedGen C5882668, MONDO:0700271, OMIM 609265.
Familial cancer of breast. Also called: Hereditary breast cancer; hereditary breast carcinoma; BREAST CANCER, FAMILIAL. Identifiers: Orphanet 227535, MedGen C0346153, MONDO:0016419, OMIM 114480. Disease mechanism: loss of function.
Breast and colorectal cancer, susceptibility to. Also called: HBCC, susceptibility to. Identifiers: MedGen CN068920.
Breast-ovarian cancer, familial, susceptibility to, 1 (BROVCA1). Also called: BRCA1 Hereditary Breast and Ovarian Cancer; OVARIAN CANCER, SUSCEPTIBILITY TO. Identifiers: Orphanet 145, MedGen C2676676, MONDO:0011450, OMIM 604370. Disease mechanism: loss of function.

Submissions 1 to 6 of 25:

PreventionGenetics, part of Exact Sciences
Classification: Likely pathogenic for CHEK2-related condition. Last evaluated: 2026-06-22. Review status: criteria provided, single submitter. Criteria: ACMG Guidelines, 2015. Collection method: clinical testing. Allele origin: germline.
Comment: The CHEK2 c.483_485delAGA variant is predicted to result in an in-frame deletion (p.Glu161del). This variant has been reported in patients with a history of breast and/or ovarian cancer, or pancreatic cancer (see, for example, Sodha et al. 2002. PubMed ID: 12442270; Table S1, Carter et al. 2018. PubMed ID: 30322717; Puccini et al. 2022. PubMed ID: 36139606). However, in one family study, this variant did not segregate with disease in at least two individuals with osteosarcoma and breast cancer (Sodha et al. 2002. PubMed ID: 12442270). This variant was also reported in two individuals with prostate cancer; however, it does not contribute to increased risk of lethal prostate cancer (Table 2, Wu et al. 2018. PubMed ID: 29520813). In addition, this variant was observed 18 times in a cohort of samples tested for multi-gene hereditary cancer, but no further phenotypic information related to this variant was provided (Table S1, Sutcliffe et al. 2020. PubMed ID: 32805687). Functional studies have revealed that the in-frame p.Glu161del variant impacts CHEK2 protein stability and kinase activity (Sodha et al. 2006, PubMed ID: 16982735; Desrichard et al. 2011. PubMed ID: 22114986; Wagener et al. 2023. PubMed ID: 36468172).  This variant is reported in 0.0040% of alleles in individuals of African descent in gnomAD. This variant has conflicting interpretations in ClinVar ranging from likely pathogenic to uncertain significance (Variation ID: 141783 ). Based on all the information available this variant is interpreted as likely pathogenic.

Institute of Medical Genetics and Applied Genomics, University Hospital Tübingen
Classification: Likely pathogenic for Familial cancer of breast. Last evaluated: 2026-04-27. Review status: criteria provided, single submitter. Criteria: ACMG Guidelines, 2015. Collection method: clinical testing. Allele origin: germline. Inheritance: Autosomal dominant inheritance. Affected: yes.

Women's Health and Genetics/Laboratory Corporation of America, LabCorp
Classification: Likely pathogenic for Hereditary breast ovarian cancer syndrome. Last evaluated: 2026-02-06. Review status: criteria provided, single submitter. Criteria: LabCorp Variant Classification Summary - May 2015. Collection method: clinical testing. Allele origin: germline.
Comment: Variant summary: CHEK2 c.483_485delAGA (p.Glu161del), also known as 481_483del, results in an in-frame deletion that is predicted to remove 1 amino acid from the encoded protein. Internal evidence suggests that this variant is associated with inconclusive levels of altered splicing (Labcorp, formerly Invitae). The variant allele was found at a frequency of 1.6e-05 in 253044 control chromosomes. c.483_485delAGA has been reported in the presumed heterozygous state in the literature in multiple individuals affected with clinical features of Hereditary Breast And Ovarian Cancer Syndrome (e.g. Sodha_2002, Caminsky_2016, Susswein_2016, Carter_2018, Arvai_2019, Hines_2019, Greville-Heygate_2020). Further, this variant segregated with breast cancer in multiple families (Labcorp, formerly Invitae). The variant has also been reported in individuals with prostate cancer (Wu_2018) and pancreatic cancer (Hu_2018). At least two publications cite experimental evidence evaluating an impact on protein function, reporting that the variant reduces CHEK2 stability and DNA damage-induced phosphorylation and significantly diminishes kinase activity in vitro (Sodha_2006, Desrichard_2011). The following publications have been ascertained in the context of this evaluation (PMID: 31341520, 31398194, 27621404, 26898890, 30322717, 22114986, 32923877, 28301460, 30633282, 29922827, 23242139, 19338683, 26845104, 15488637, 16982735, 12442270, 26681312, 29520813, NO_PMID). ClinVar contains an entry for this variant (Variation ID: 141783). Based on the evidence outlined above, the variant was classified as likely pathogenic.

Labcorp Genetics (formerly Invitae), Labcorp
Classification: Likely pathogenic for Familial cancer of breast. Last evaluated: 2026-01-25. Review status: criteria provided, single submitter. Criteria: Invitae Variant Classification Sherloc (09022015). Collection method: clinical testing. Allele origin: germline.
Comment: This variant, c.483_485del, results in the deletion of 1 amino acid(s) of the CHEK2 protein (p.Glu161del), but otherwise preserves the integrity of the reading frame. This variant is present in population databases (rs587782008, gnomAD 0.004%). This variant has been observed in individual(s) with CHEK2-related conditions (PMID: 12442270, 26845104, 26898890, 29520813, 30633282, 31341520; internal data). It has also been observed to segregate with disease in related individuals. This variant is also known as 481_483del. ClinVar contains an entry for this variant (Variation ID: 141783). Algorithms developed to predict the effect of variants on gene product structure and function are not available or were not evaluated for this variant. Experimental studies have shown that this variant affects CHEK2 function (PMID: 16982735, 22114986). Studies have shown that this variant is associated with inconclusive levels of altered splicing (internal data). In summary, the currently available evidence indicates that the variant is pathogenic, but additional data are needed to prove that conclusively. Therefore, this variant has been classified as Likely Pathogenic.

Center for Genomic Medicine, Rigshospitalet, Copenhagen University Hospital
Classification: Likely pathogenic. Last evaluated: 2025-12-29. Review status: criteria provided, single submitter. Criteria: ACMG Guidelines, 2015. Collection method: clinical testing. Allele origin: germline.
Comment: Classification criteria: PS3, PS4_moderate, PM2_supporting

Ambry Genetics
Classification: Likely pathogenic for Hereditary cancer-predisposing syndrome. Last evaluated: 2025-11-20. Review status: criteria provided, single submitter. Criteria: Ambry Variant Classification Scheme 2023. Collection method: clinical testing. Allele origin: germline.
Comment: The c.483_485delAGA variant (also known as p.E161del) is located in coding exon 3 of the CHEK2 gene. This variant results from an in-frame AGA deletion at nucleotide positions 483 to 485. This results in the in-frame deletion of a glutamic acid at codon 161. This variant is located in the FHA functional domain and has been associated with decreased protein expression, stability, and phosphorylation compared to wild type CHK2 (Sodha N et al. Cancer Res. 2006 Sep;66:8966-70; Desrichard A et al. Breast Cancer Res. 2011 Nov;13:R119). Of note, this alteration is also designated as delE161 in published literature. Based on internal structural assessment, this alteration results in disruption of the FHA domain (Cai Z et al. Mol. Cell. 2009 Sep;35:818-29; Ambry internal data). Additionally, this alteration has been identified in cohorts of individuals diagnosed with breast, ovarian, and prostate cancers (Susswein LR et al. Genet. Med. 2016 08;18:823-32; Shirts BH et al. Genet. Med. 2016 10;18:974-81; Wu Y et al. Prostate. 2018 06;78:607-615; Carter NJ et al. Gynecol. Oncol. 2018 12;151:481-488; Hines SL et al. Mol Omics. 2019 02;15:59-66; Guglielmi C et al. Int J Mol Sci, 2021 Jul;22:). This amino acid position is highly conserved in available vertebrate species. In addition, this alteration is predicted to be deleterious by in silico analysis (Choi Y et al. PLoS ONE. 2012; 7(10):e46688). Based on the majority of available evidence to date, this variant is likely to be pathogenic.